The following is an entry in ClinVar:

NM_014874.4(MFN2):c.2205G>A (p.Arg735=)

Gene: MFN2 (mitofusin 2; plus strand). Cytogenetic location: 1p36.22.
Variant type: single nucleotide variant.
Coding change: c.2205G>A on transcript NM_014874.4 (MANE Select); coding-DNA position 2205, G replaced by A.
Protein change: p.Arg735=; no amino-acid change (arginine 735 retained).
Molecular consequence: synonymous variant.
Genome position (GRCh38, 1-based): chr1:12,011,496, G>A. VCF-style: chr1-12011496-G-A. GRCh37 (hg19) VCF-style: chr1-12071553-G-A.
Other names: c.2205G>A, p.Arg735= (NM_001127660.2).
Identifiers: ClinVar variation 1442063 (VCV001442063.6), dbSNP rs757975290, ClinGen allele CA599377.

ClinVar aggregate classification (germline): Uncertain significance (1 of 4 stars; one submission).

Conditions:
Charcot-Marie-Tooth disease type 2. Also called: Charcot-Marie-Tooth type 2. Identifiers: Orphanet 64746, MedGen C0270914, MONDO:0018993.

Allele frequency attached by ClinVar (database versions not stated): ExAC 0.00001.
gnomAD v4.1: 4 of 1,614,160 alleles (0.00025%); highest among the groups gnomAD compares: Non-Finnish European, 0.00034%; no homozygotes.

Submission:

Labcorp Genetics (formerly Invitae), Labcorp
Classification: Uncertain significance for Charcot-Marie-Tooth disease type 2. Last evaluated: 2021-12-12. Review status: criteria provided, single submitter. Criteria: Invitae Variant Classification Sherloc (09022015). Collection method: clinical testing. Allele origin: germline.
Comment: In summary, the available evidence is currently insufficient to determine the role of this variant in disease. Therefore, it has been classified as a Variant of Uncertain Significance. Algorithms developed to predict the effect of sequence changes on RNA splicing suggest that this variant is not likely to affect RNA splicing. This variant has not been reported in the literature in individuals affected with MFN2-related conditions. This variant is present in population databases (rs757975290, gnomAD 0.0009%). This sequence change affects codon 735 of the MFN2 mRNA. It is a 'silent' change, meaning that it does not change the encoded amino acid sequence of the MFN2 protein. It affects a nucleotide within the consensus splice site.